The following is an entry in ClinVar:

NM_032520.5(GNPTG):c.111-3T>C

Gene: GNPTG (N-acetylglucosamine-1-phosphate transferase subunit gamma; plus strand). Cytogenetic location: 16p13.3.
Variant type: single nucleotide variant.
Coding change: c.111-3T>C on transcript NM_032520.5 (MANE Select); 3 bases into the intron before coding-DNA position 111, T replaced by C.
Molecular consequence: intron variant.
Genome position (GRCh38, 1-based): chr16:1,352,236, T>C. VCF-style: chr16-1352236-T-C. GRCh37 (hg19) VCF-style: chr16-1402237-T-C.
Identifiers: ClinVar variation 1990939 (VCV001990939.4), dbSNP rs753223909, ClinGen allele CA276642885.

ClinVar aggregate classification (germline): Uncertain significance (1 of 4 stars; one submission).

Allele frequency attached by ClinVar (database versions not stated): gnomAD exomes below 0.00001.
gnomAD v4.1: 3 of 1,549,120 alleles (0.00019%); highest among the groups gnomAD compares: Admixed American, 0.0039%; no homozygotes.

Submission:

Labcorp Genetics (formerly Invitae), Labcorp
Classification: Uncertain significance. Last evaluated: 2023-07-17. Review status: criteria provided, single submitter. Criteria: Invitae Variant Classification Sherloc (09022015). Collection method: clinical testing. Allele origin: germline.
Comment: ClinVar contains an entry for this variant (Variation ID: 1990939). In summary, the available evidence is currently insufficient to determine the role of this variant in disease. Therefore, it has been classified as a Variant of Uncertain Significance. Variants that disrupt the consensus splice site are a relatively common cause of aberrant splicing (PMID: 17576681, 9536098). Algorithms developed to predict the effect of sequence changes on RNA splicing suggest that this variant is not likely to affect RNA splicing. This variant has not been reported in the literature in individuals affected with GNPTG-related conditions. This variant is not present in population databases (gnomAD no frequency). This sequence change falls in intron 2 of the GNPTG gene. It does not directly change the encoded amino acid sequence of the GNPTG protein. It affects a nucleotide within the consensus splice site.

Literature cited by the submitters: PubMed 17576681; PubMed 9536098.